The following is an entry in ClinVar:

NM_001354604.2(MITF):c.1186G>A (p.Glu396Lys)

Gene: MITF (melanocyte inducing transcription factor; plus strand). Cytogenetic location: 3p13.
Variant type: single nucleotide variant.
Coding change: c.1186G>A on transcript NM_001354604.2 (MANE Select); coding-DNA position 1186, G replaced by A.
Protein change: p.Glu396Lys; replaces glutamic acid 396 with lysine.
Molecular consequence: missense variant.
Genome position (GRCh38, 1-based): chr3:69,964,853, G>A. VCF-style: chr3-69964853-G-A. GRCh37 (hg19) VCF-style: chr3-70014004-G-A.
Other names: c.1012G>A, p.Glu338Lys (NM_001354608.2, NM_001184967.2); c.1165G>A, p.Glu389Lys (NM_006722.3, NM_001354606.2); c.847G>A, p.Glu283Lys (NM_198158.3); c.1168G>A, p.Glu390Lys (NM_198159.3); c.1120G>A, p.Glu374Lys (NM_198177.3); c.679G>A, p.Glu227Lys (NM_198178.3); c.865G>A, p.Glu289Lys (NM_000248.4); c.1183G>A, p.Glu395Lys (NM_001354605.2); and 1 more; short protein forms E283K, E374K, E389K, E338K, E396K, E227K, E289K, E373K.
Identifiers: ClinVar variation 4055210 (VCV004055210.1).
Genomic context (GRCh38, chr3:69,964,853, plus strand): 5'-AAAAGTCCTCTGTGCTCTGCCTATTTCAGTGTTTTATCTTTACTCTTATTATAGGAACTT[G>A]AAATGCAGGCTCGAGCTCATGGACTTTCCCTTATTCCATCCACGGGTCTCTGCTCTCCAG-3'
Protein context (NP_001341533.1, residues 386-406): RHLLLRIQEL[Glu396Lys]MQARAHGLSL

ClinVar aggregate classification (germline): Uncertain significance (1 of 4 stars; one submission).

Conditions:
Hereditary cancer-predisposing syndrome. Also called: Neoplastic Syndromes, Hereditary; Tumor predisposition; Hereditary neoplastic syndrome; Hereditary Cancer Syndrome. Identifiers: Orphanet 140162, MedGen C0027672, MeSH D009386, MONDO:0015356.

Submission:

Ambry Genetics
Classification: Uncertain significance for Hereditary cancer-predisposing syndrome. Last evaluated: 2025-05-18. Review status: criteria provided, single submitter. Criteria: Ambry Variant Classification Scheme 2023. Collection method: clinical testing. Allele origin: germline.
Comment: The p.E289K variant (also known as c.865G>A), located in coding exon 9 of the MITF gene, results from a G to A substitution at nucleotide position 865. The glutamic acid at codon 289 is replaced by lysine, an amino acid with similar properties. This amino acid position is conserved. In addition, this alteration is predicted to be deleterious by in silico analysis. Based on the available evidence, the clinical significance of this variant remains unclear.